The following is an entry in ClinVar:

ClinVar aggregate classification (germline): Uncertain significance (1 of 4 stars; one submission).

Allele frequency attached by ClinVar (database versions not stated): gnomAD exomes below 0.00001.
gnomAD v4.1: 1 of 1,210,517 alleles (0.000083%); highest among the groups gnomAD compares: Non-Finnish European, 0.00011%; no homozygotes.

Submission:

Labcorp Genetics (formerly Invitae), Labcorp
Classification: Uncertain significance. Last evaluated: 2024-01-07. Review status: criteria provided, single submitter. Criteria: Invitae Variant Classification Sherloc (09022015). Collection method: clinical testing. Allele origin: germline.
Comment: This sequence change falls in intron 4 of the DDX3X gene. It does not directly change the encoded amino acid sequence of the DDX3X protein. It affects a nucleotide within the consensus splice site. This variant is not present in population databases (gnomAD no frequency). This variant has not been reported in the literature in individuals affected with DDX3X-related conditions. Variants that disrupt the consensus splice site are a relatively common cause of aberrant splicing (PMID: 17576681, 9536098). Algorithms developed to predict the effect of sequence changes on RNA splicing suggest that this variant is not likely to affect RNA splicing. In summary, the available evidence is currently insufficient to determine the role of this variant in disease. Therefore, it has been classified as a Variant of Uncertain Significance.

Literature cited by the submitters: PubMed 17576681; PubMed 9536098.

NM_001356.5(DDX3X):c.285-3C>T

Gene: DDX3X (DEAD-box helicase 3 X-linked; plus strand). Cytogenetic location: Xp11.4.
Variant type: single nucleotide variant.
Coding change: c.285-3C>T on transcript NM_001356.5 (MANE Select); 3 bases into the intron before coding-DNA position 285, C replaced by T.
Molecular consequence: intron variant.
Genome position (GRCh38, 1-based): chrX:41,342,492, C>T. VCF-style: chrX-41342492-C-T. GRCh37 (hg19) VCF-style: chrX-41201745-C-T.
Other names: c.285-3C>T (NM_001193416.3); c.237-3C>T (NM_001193417.3); c.-274-3C>T (NM_001363819.1).
Identifiers: ClinVar variation 2705904 (VCV002705904.3), dbSNP rs2519508468, ClinGen allele CA2693485811.
Genomic context (GRCh38, chrX:41,342,492, plus strand): 5'-TAGGGATAAGAATCTGATAATGGTTAAATGATATGATTCTGATTAATTGCTTGTGCTGTT[C>T]AGGTTTGATGATCGTGGACGGAGTGATTACGATGGCATTGGCAGCCGTGGTGACAGAAGT-3'